The following is an entry in ClinVar:

NM_004448.4(ERBB2):c.574+1G>C

Gene: ERBB2 (erb-b2 receptor tyrosine kinase 2; plus strand). Cytogenetic location: 17q12.
Variant type: single nucleotide variant.
Coding change: c.574+1G>C on transcript NM_004448.4 (MANE Select); the canonical splice donor site of the intron after coding-DNA position 574, G replaced by C.
Molecular consequence: splice donor variant. On other transcripts: intron variant (2).
Genome position (GRCh38, 1-based): chr17:39,709,453, G>C. VCF-style: chr17-39709453-G-C. GRCh37 (hg19) VCF-style: chr17-37865706-G-C.
Other names: c.484+1G>C (NM_001382782.1, NM_001005862.3, NM_001289938.2 and 1 more transcripts); c.529+1G>C (NM_001289936.2); c.649+1G>C (NM_001382787.1); c.574+1G>C (NM_001382784.1, NM_001382786.1, NM_001382789.1 and 17 more transcripts); c.440-405G>C (NM_001382799.1); c.565+1G>C (NM_001382791.1); c.74-2475G>C (NM_001382804.1).
Identifiers: ClinVar variation 2894629 (VCV002894629.3), dbSNP rs1408939918, ClinGen allele CA399276035.

ClinVar aggregate classification (germline): Uncertain significance (1 of 4 stars; one submission).

Allele frequency attached by ClinVar (database versions not stated): gnomAD exomes below 0.00001; gnomAD 0.00001; TOPMed 0.00001.
gnomAD v4.1: 6 of 1,613,954 alleles (0.00037%); highest among the groups gnomAD compares: Non-Finnish European, 0.00051%; no homozygotes.

Submission:

Labcorp Genetics (formerly Invitae), Labcorp
Classification: Uncertain significance. Last evaluated: 2023-11-04. Review status: criteria provided, single submitter. Criteria: Invitae Variant Classification Sherloc (09022015). Collection method: clinical testing. Allele origin: germline.
Comment: This sequence change affects a donor splice site in intron 4 of the ERBB2 gene. It is expected to disrupt RNA splicing. Variants that disrupt the donor or acceptor splice site typically lead to a loss of protein function (PMID: 16199547), however the current clinical and genetic evidence is not sufficient to establish whether loss-of-function variants in ERBB2 cause disease. This variant is present in population databases (no rsID available, gnomAD 0.0009%). This variant has not been reported in the literature in individuals affected with ERBB2-related conditions. Algorithms developed to predict the effect of sequence changes on RNA splicing suggest that this variant may disrupt the consensus splice site. In summary, the available evidence is currently insufficient to determine the role of this variant in disease. Therefore, it has been classified as a Variant of Uncertain Significance.

Literature cited by the submitters: PubMed 16199547.